The following is an entry in ClinVar:

ClinVar aggregate classification (germline): Uncertain significance (1 of 4 stars; one submission).

gnomAD v4.1: 2 of 1,614,044 alleles (0.00012%); highest among the groups gnomAD compares: Middle Eastern, 0.016%; no homozygotes.

Submission:

Dasa
Classification: Uncertain significance. Last evaluated: 2026-04-24. Review status: criteria provided, single submitter. Criteria: DASA Assertion Criteria. Collection method: clinical testing. Allele origin: germline.
Comment: NM_001291303.3(FAT4):c.9695C>A (p.Ala3232Glu) is a missense variant that results in the substitution of alanine with glutamic acid. This variant is rare in population databases. The currently available literature and clinical evidence are not sufficient to establish a definitive association between this variant and the reported condition. Therefore, this variant is classified as a variant of uncertain significance.

NM_001291303.3(FAT4):c.9695C>A (p.Ala3232Glu)

Gene: FAT4 (FAT atypical cadherin 4; plus strand). Cytogenetic location: 4q28.1.
Variant type: single nucleotide variant.
Coding change: c.9695C>A on transcript NM_001291303.3 (MANE Select); coding-DNA position 9695, C replaced by A.
Protein change: p.Ala3232Glu; replaces alanine 3232 with glutamic acid.
Molecular consequence: missense variant.
Genome position (GRCh38, 1-based): chr4:125,450,705, C>A. VCF-style: chr4-125450705-C-A. GRCh37 (hg19) VCF-style: chr4-126371860-C-A.
Other names: c.9695C>A, p.Ala3232Glu (NM_001291285.3, NM_001438396.1, NM_001438397.1); c.4466C>A, p.Ala1489Glu (NM_001437895.1); c.9689C>A, p.Ala3230Glu (NM_024582.6); short protein forms A1489E, A3230E, A3232E.
Identifiers: ClinVar variation 4886678 (VCV004886678.2).